The following is an entry in ClinVar:

ClinVar aggregate classification (germline): Uncertain significance (1 of 4 stars; one submission).

Conditions:
PRPH2-related disorder. Also called: PRPH2-related disorders; PRPH2-related condition. Identifiers: MedGen CN239395.

gnomAD v4.1: 1 of 1,607,804 alleles (0.000062%); highest among the groups gnomAD compares: Admixed American, 0.0017%; no homozygotes.

Submission:

Labcorp Genetics (formerly Invitae), Labcorp
Classification: Uncertain significance for PRPH2-related disorder. Last evaluated: 2024-11-27. Review status: criteria provided, single submitter. Criteria: Invitae Variant Classification Sherloc (09022015). Collection method: clinical testing. Allele origin: germline.
Comment: This sequence change replaces glutamic acid, which is acidic and polar, with glutamine, which is neutral and polar, at codon 276 of the PRPH2 protein (p.Glu276Gln). This variant is present in population databases (no rsID available, gnomAD 0.003%). This variant has not been reported in the literature in individuals affected with PRPH2-related conditions. ClinVar contains an entry for this variant (Variation ID: 1377623). An algorithm developed to predict the effect of missense changes on protein structure and function (PolyPhen-2) suggests that this variant is likely to be tolerated. Experimental studies have shown that this missense change affects PRPH2 function (PMID: 17591862). In summary, the available evidence is currently insufficient to determine the role of this variant in disease. Therefore, it has been classified as a Variant of Uncertain Significance.

Literature cited by the submitters: PubMed 17591862.

NM_000322.5(PRPH2):c.826G>C (p.Glu276Gln)

Gene: PRPH2 (peripherin 2; minus strand). Cytogenetic location: 6p21.1.
Variant type: single nucleotide variant.
Coding change: c.826G>C on transcript NM_000322.5 (MANE Select); coding-DNA position 826, G replaced by C.
Protein change: p.Glu276Gln; replaces glutamic acid 276 with glutamine.
Molecular consequence: missense variant.
Genome position (GRCh38, 1-based): chr6:42,704,367, C>G on the plus strand (G>C on the coding strand, the complement: PRPH2 is on the minus strand). VCF-style: chr6-42704367-C-G. GRCh37 (hg19) VCF-style: chr6-42672105-C-G.
Other names: short protein forms E276Q.
Identifiers: ClinVar variation 1377623 (VCV001377623.8), dbSNP rs751900290, ClinGen allele CA364134551.